The following is an entry in ClinVar:

NM_007294.4(BRCA1):c.1974del (p.Met658fs)

Gene: BRCA1 (BRCA1 DNA repair associated; minus strand). Cytogenetic location: 17q21.31.
Variant type: Deletion.
Coding change: c.1974del on transcript NM_007294.4 (MANE Select); coding-DNA position 1974, one base deleted (G; older notation c.1974delG).
Protein change: p.Met658fs; shifts the reading frame from methionine 658.
Molecular consequence: frameshift variant. On other transcripts: intron variant (137).
Genome position (GRCh38, 1-based): chr17:43,093,557, C deleted on the plus strand (G on the coding strand, the reverse complement: BRCA1 is on the minus strand). VCF-style (leftmost placement, unchanged base first): chr17-43093556-GC-G. GRCh37 (hg19) VCF-style: chr17-41245573-GC-G.
Other names: c.1761del, p.Met587fs (NM_001407571.1, NM_001407853.1, NM_001407894.1 and 9 more transcripts); c.1974del, p.Met658fs (NM_001407581.1, NM_001407582.1, NM_001407583.1 and 30 more transcripts); c.1971del, p.Met657fs (NM_001407587.1, NM_001407590.1, NM_001407591.1 and 22 more transcripts); c.1965del, p.Met655fs (NM_001407646.1, NM_001407647.1); c.1851del, p.Met617fs (NM_001407648.1, NM_001407664.1, NM_001407665.1 and 19 more transcripts); c.1848del, p.Met616fs (NM_001407649.1, NM_001407670.1, NM_001407671.1 and 11 more transcripts); c.1896del, p.Met632fs (NM_001407653.1, NM_001407654.1, NM_001407655.1 and 4 more transcripts); c.1893del, p.Met631fs (NM_001407659.1, NM_001407660.1, NM_001407661.1 and 1 more transcripts); and 40 more; short protein forms M658fs, M611fs, M531fs, M570fs, M610fs, M617fs, M631fs, M632fs.
Identifiers: ClinVar variation 1783675 (VCV001783675.2), dbSNP rs2552195752, ClinGen allele CA2580094104.
Genomic context (GRCh38, chr17:43,093,556, plus strand): 5'-TGGCTCCAGTTGCAGGTTCTTTACCTTCCATGAGTTGTAGGTTTCTGCTGTGCCTGACTG[GC>G]ATTTGGTTGTACTTTTTTTTCTTTATCTCTTCACTGCTAGAACAACTATCAATTTGCAAT-3'

ClinVar aggregate classification (germline): Pathogenic (1 of 4 stars; one submission).

Conditions:
Hereditary cancer-predisposing syndrome. Also called: Neoplastic Syndromes, Hereditary; Tumor predisposition; Hereditary Cancer Syndrome; Hereditary neoplastic syndrome. Identifiers: Orphanet 140162, MedGen C0027672, MeSH D009386, MONDO:0015356.

Submission:

Ambry Genetics
Classification: Pathogenic for Hereditary cancer-predisposing syndrome. Last evaluated: 2019-04-09. Review status: criteria provided, single submitter. Criteria: Ambry Variant Classification Scheme 2023. Collection method: clinical testing. Allele origin: germline.
Comment: The c.1974delG pathogenic mutation, located in coding exon 9 of the BRCA1 gene, results from a deletion of one nucleotide at nucleotide position 1974, causing a translational frameshift with a predicted alternate stop codon (p.M658Ifs*43). This alteration is expected to result in loss of function by premature protein truncation or nonsense-mediated mRNA decay. As such, this alteration is interpreted as a disease-causing mutation.